The following is an entry in ClinVar:

NM_004963.4(GUCY2C):c.2249+3A>T

Gene: GUCY2C (guanylate cyclase 2C; minus strand). Cytogenetic location: 12p12.3.
Variant type: single nucleotide variant.
Coding change: c.2249+3A>T on transcript NM_004963.4 (MANE Select); 3 bases into the intron after coding-DNA position 2249, A replaced by T.
Molecular consequence: intron variant.
Genome position (GRCh38, 1-based): chr12:14,628,643, T>A on the plus strand (A>T on the coding strand, the complement: GUCY2C is on the minus strand). VCF-style: chr12-14628643-T-A. GRCh37 (hg19) VCF-style: chr12-14781577-T-A.
Identifiers: ClinVar variation 4798191 (VCV004798191.1).

ClinVar aggregate classification (germline): Uncertain significance (1 of 4 stars; one submission).

gnomAD v4.1: 5 of 1,424,538 alleles (0.00035%); highest among the groups gnomAD compares: Non-Finnish European, 0.0005%; no homozygotes.

Submission:

Labcorp Genetics (formerly Invitae), Labcorp
Classification: Uncertain significance. Last evaluated: 2025-03-16. Review status: criteria provided, single submitter. Criteria: Invitae Variant Classification Sherloc (09022015). Collection method: clinical testing. Allele origin: germline.
Comment: This sequence change falls in intron 20 of the GUCY2C gene. It does not directly change the encoded amino acid sequence of the GUCY2C protein. It affects a nucleotide within the consensus splice site. This variant is not present in population databases (gnomAD no frequency). This variant has not been reported in the literature in individuals affected with GUCY2C-related conditions. Variants that disrupt the consensus splice site are a relatively common cause of aberrant splicing (PMID: 17576681, 9536098). Algorithms developed to predict the effect of sequence changes on RNA splicing suggest that this variant may disrupt the consensus splice site. In summary, the available evidence is currently insufficient to determine the role of this variant in disease. Therefore, it has been classified as a Variant of Uncertain Significance.

Literature cited by the submitters: PubMed 17576681; PubMed 9536098.